The following is an entry in ClinVar:

NM_004360.5(CDH1):c.1936+9C>G

Gene: CDH1 (cadherin 1; plus strand). Cytogenetic location: 16q22.1.
Variant type: single nucleotide variant.
Coding change: c.1936+9C>G on transcript NM_004360.5 (MANE Select); 9 bases into the intron after coding-DNA position 1936, C replaced by G.
Molecular consequence: intron variant.
Genome position (GRCh38, 1-based): chr16:68,822,234, C>G. VCF-style: chr16-68822234-C-G. GRCh37 (hg19) VCF-style: chr16-68856137-C-G.
Other names: c.388+9C>G (NM_001317185.2); c.-30+9C>G (NM_001317186.2); c.1753+9C>G (NM_001317184.2).
Identifiers: ClinVar variation 2036913 (VCV002036913.4), dbSNP rs987321462, ClinGen allele CA2580091866.
Genomic context (GRCh38, chr16:68,822,234, plus strand): 5'-GAACTAACACACGGGGCGAGTGCCAACTGGACCATTCAGTACAACGACCCAAGTGGGTAC[C>G]TGAGTTTTATTTTGGCAACTTTGCTCCAACTGCCATGCTTCCCTTCCCCCAGATCCCCAC-3'

ClinVar aggregate classification (germline): Uncertain significance (1 of 4 stars; one submission).

Conditions:
Hereditary diffuse gastric adenocarcinoma (HDGC). Also called: DIFFUSE GASTRIC AND LOBULAR BREAST CANCER SYNDROME. Identifiers: Orphanet 26106, MedGen C1708349, MONDO:0007648, OMIM 137215.

Submission:

Labcorp Genetics (formerly Invitae), Labcorp
Classification: Uncertain significance for Hereditary diffuse gastric adenocarcinoma. Last evaluated: 2022-12-05. Review status: criteria provided, single submitter. Criteria: Invitae Variant Classification Sherloc (09022015). Collection method: clinical testing. Allele origin: germline.
Comment: This sequence change falls in intron 12 of the CDH1 gene. It does not directly change the encoded amino acid sequence of the CDH1 protein. This variant is not present in population databases (gnomAD no frequency). This variant has not been reported in the literature in individuals affected with CDH1-related conditions. Algorithms developed to predict the effect of sequence changes on RNA splicing suggest that this variant may disrupt the consensus splice site. In summary, the available evidence is currently insufficient to determine the role of this variant in disease. Therefore, it has been classified as a Variant of Uncertain Significance.